The following is an entry in ClinVar:

NM_004924.6(ACTN4):c.2190+5G>A

Gene: ACTN4 (actinin alpha 4; plus strand). Cytogenetic location: 19q13.2.
Variant type: single nucleotide variant.
Coding change: c.2190+5G>A on transcript NM_004924.6 (MANE Select); 5 bases into the intron after coding-DNA position 2190, G replaced by A.
Molecular consequence: intron variant.
Genome position (GRCh38, 1-based): chr19:38,725,908, G>A. VCF-style: chr19-38725908-G-A. GRCh37 (hg19) VCF-style: chr19-39216548-G-A.
Other names: c.2190+5G>A (NM_001411143.1, NM_001322033.2).
Identifiers: ClinVar variation 3583829 (VCV003583829.3).
Genomic context (GRCh38, chr19:38,725,908, plus strand): 5'-AGCTCATCCAGGAGGCCCTCATCTTCGACAACAAGCACACCAACTATACCATGGAGGTGC[G>A]CGGCTGCCCCGCCCGCTGGCCTTTCCACCAGCATGGCCGGCTTCCTCACTGGAAATGGTT-3'

ClinVar aggregate classification (germline): Uncertain significance. Review status: criteria provided, multiple submitters, no conflicts (2 of 4 stars). 2 submissions from 2 submitters: Uncertain significance (2). Last evaluated 2024-03-05.

Conditions:
Focal segmental glomerulosclerosis 1 (FSGS1). Identifiers: Orphanet 656, MedGen C4551527, MONDO:0011303, OMIM 603278.

gnomAD v4.1: 10 of 1,613,648 alleles (0.00062%); highest among the groups gnomAD compares: East Asian, 0.0067%; 1 homozygote.

Submissions (2):

Labcorp Genetics (formerly Invitae), Labcorp
Classification: Uncertain significance. Last evaluated: 2024-03-05. Review status: criteria provided, single submitter. Criteria: Invitae Variant Classification Sherloc (09022015). Collection method: clinical testing. Allele origin: germline.
Comment: This sequence change falls in intron 17 of the ACTN4 gene. It does not directly change the encoded amino acid sequence of the ACTN4 protein. It affects a nucleotide within the consensus splice site. This variant is present in population databases (rs779927904, gnomAD 0.02%). This variant has not been reported in the literature in individuals affected with ACTN4-related conditions. Variants that disrupt the consensus splice site are a relatively common cause of aberrant splicing (PMID: 17576681, 9536098). Algorithms developed to predict the effect of sequence changes on RNA splicing suggest that this variant may disrupt the consensus splice site. In summary, the available evidence is currently insufficient to determine the role of this variant in disease. Therefore, it has been classified as a Variant of Uncertain Significance.

Fulgent Genetics
Classification: Uncertain significance for Focal segmental glomerulosclerosis 1. Last evaluated: 2024-01-23. Review status: criteria provided, single submitter. Criteria: ACMG Guidelines, 2015. Collection method: clinical testing. Allele origin: germline.

Literature cited by the submitters: PubMed 17576681 (cited by Labcorp Genetics (formerly Invitae), Labcorp); PubMed 9536098 (cited by Labcorp Genetics (formerly Invitae), Labcorp).